The following is an entry in ClinVar:

NM_015346.4(ZFYVE26):c.5735T>G (p.Leu1912Trp)

Gene: ZFYVE26 (zinc finger FYVE-type containing 26; minus strand). Cytogenetic location: 14q24.1.
Variant type: single nucleotide variant.
Coding change: c.5735T>G on transcript NM_015346.4 (MANE Select); coding-DNA position 5735, T replaced by G.
Protein change: p.Leu1912Trp; replaces leucine 1912 with tryptophan.
Molecular consequence: missense variant.
Genome position (GRCh38, 1-based): chr14:67,767,759, A>C on the plus strand (T>G on the coding strand, the complement: ZFYVE26 is on the minus strand). VCF-style: chr14-67767759-A-C. GRCh37 (hg19) VCF-style: chr14-68234476-A-C.
Other names: short protein forms L1912W.
Identifiers: ClinVar variation 2059186 (VCV002059186.3), dbSNP rs2502760230, ClinGen allele CA390166380.
Genomic context (GRCh38, chr14:67,767,759, plus strand): 5'-ATTACCTGCTCATAGTAAAATTCACTCCGCACCAGCTCATTTTCCTCCTCTTTGAGATCC[A>C]AAATCCATTCCACCTCATCTGCTTTGGGGACTCTCACCACAAACGAGTATGGAGGGCTTT-3'
Protein context (NP_056161.2, residues 1902-1922): VPKADEVEWI[Leu1912Trp]DLKEEENELV

ClinVar aggregate classification (germline): Uncertain significance (1 of 4 stars; one submission).

Conditions:
Spastic paraplegia. Identifiers: MedGen C0037772, HP:0001258.

Submission:

Labcorp Genetics (formerly Invitae), Labcorp
Classification: Uncertain significance for Spastic paraplegia. Last evaluated: 2023-11-27. Review status: criteria provided, single submitter. Criteria: Invitae Variant Classification Sherloc (09022015). Collection method: clinical testing. Allele origin: germline.
Comment: This sequence change replaces leucine, which is neutral and non-polar, with tryptophan, which is neutral and slightly polar, at codon 1912 of the ZFYVE26 protein (p.Leu1912Trp). This variant is not present in population databases (gnomAD no frequency). This variant has not been reported in the literature in individuals affected with ZFYVE26-related conditions. ClinVar contains an entry for this variant (Variation ID: 2059186). An algorithm developed to predict the effect of missense changes on protein structure and function (PolyPhen-2) suggests that this variant is likely to be disruptive. In summary, the available evidence is currently insufficient to determine the role of this variant in disease. Therefore, it has been classified as a Variant of Uncertain Significance.